The following is an entry in ClinVar:

ClinVar aggregate classification (germline): Pathogenic (1 of 4 stars; one submission).

Conditions:
Spondylodysplastic Ehlers-Danlos syndrome. Identifiers: Orphanet 536471, Orphanet 75496, MedGen C5680154, MONDO:0007526.

gnomAD v4.1: 2 of 1,610,792 alleles (0.00012%); highest among the groups gnomAD compares: Non-Finnish European, 0.00017%; no homozygotes.

Submission:

Labcorp Genetics (formerly Invitae), Labcorp
Classification: Pathogenic for Spondylodysplastic Ehlers-Danlos syndrome. Last evaluated: 2025-09-04. Review status: criteria provided, single submitter. Criteria: Invitae Variant Classification Sherloc (09022015). Collection method: clinical testing. Allele origin: germline.
Comment: This sequence change creates a premature translational stop signal (p.Cys75*) in the B4GALT7 gene. It is expected to result in an absent or disrupted protein product. Loss-of-function variants in B4GALT7 are known to be pathogenic (PMID: 26940150, 31614862, 38431799). This variant is not present in population databases (gnomAD no frequency). This variant has not been reported in the literature in individuals affected with B4GALT7-related conditions. ClinVar contains an entry for this variant (Variation ID: 1354563). For these reasons, this variant has been classified as Pathogenic.

Literature cited by the submitters: PubMed 26940150; PubMed 31614862; PubMed 38431799.

NM_007255.3(B4GALT7):c.225C>A (p.Cys75Ter)

Gene: B4GALT7 (beta-1,4-galactosyltransferase 7; plus strand). Cytogenetic location: 5q35.3.
Variant type: single nucleotide variant.
Coding change: c.225C>A on transcript NM_007255.3 (MANE Select); coding-DNA position 225, C replaced by A.
Protein change: p.Cys75Ter; replaces cysteine 75 with a stop codon.
Molecular consequence: nonsense.
Genome position (GRCh38, 1-based): chr5:177,604,353, C>A. VCF-style: chr5-177604353-C-A. GRCh37 (hg19) VCF-style: chr5-177031354-C-A.
Other names: short protein forms C75*.
Identifiers: ClinVar variation 1354563 (VCV001354563.6), dbSNP rs780427259, ClinGen allele CA362373263.